The following is an entry in ClinVar:

NM_000179.3(MSH6):c.257C>G (p.Thr86Ser)

Genes: MSH6 (mutS homolog 6; plus strand), LOC129933707 (ATAC-STARR-seq lymphoblastoid silent region 11468; plus strand). Cytogenetic location: 2p16.3.
Variant type: single nucleotide variant.
Coding change: c.257C>G on transcript NM_000179.3 (MANE Select); coding-DNA position 257, C replaced by G.
Protein change: p.Thr86Ser; replaces threonine 86 with serine.
Molecular consequence: missense variant. On other transcripts: 5 prime UTR variant (1), intron variant (1).
Genome position (GRCh38, 1-based): chr2:47,783,490, C>G. VCF-style: chr2-47783490-C-G. GRCh37 (hg19) VCF-style: chr2-48010629-C-G.
Other names: c.-480C>G (NM_001281493.2); c.237+20C>G (NM_001281492.2); short protein forms T86S.
Identifiers: ClinVar variation 966333 (VCV000966333.13), dbSNP rs768444916, ClinGen allele CA069212.
Genomic context (GRCh38, chr2:47,783,490, plus strand): 5'-CGCCCAAGGCGAAGAACCTCAACGGAGGGCTGCGGAGATCGGTAGCGCCTGCTGCCCCCA[C>G]CAGGTAGCGGGGTGGGGGTGGGGTCGAAGGCGGGGGCATAGCGGCGGGGCGCTTGGAACC-3'
Protein context (NP_000170.1, residues 76-96): LRRSVAPAAP[Thr86Ser]SCDFSPGDLV

ClinVar aggregate classification (germline): Uncertain significance. Review status: criteria provided, multiple submitters, no conflicts (2 of 4 stars). 4 submissions from 4 submitters: Uncertain significance (4). Last evaluated 2024-08-22.

Conditions:
Hereditary nonpolyposis colorectal neoplasms. Identifiers: MedGen C0009405, MeSH D003123.
Hereditary cancer-predisposing syndrome. Also called: Hereditary neoplastic syndrome; Neoplastic Syndromes, Hereditary; Hereditary Cancer Syndrome; Tumor predisposition. Identifiers: Orphanet 140162, MedGen C0027672, MeSH D009386, MONDO:0015356.

Allele frequency attached by ClinVar (database versions not stated): ExAC below 0.00001.

Submissions (4):

Quest Diagnostics Nichols Institute San Juan Capistrano
Classification: Uncertain significance. Last evaluated: 2024-08-22. Review status: criteria provided, single submitter. Criteria: Quest Diagnostics criteria. Collection method: clinical testing. Allele origin: unknown.
Comment: The MSH6 c.257C>G (p.Thr86Ser) variant has not been reported in individuals with MSH6-related conditions in the published literature. It also has not been reported in large, multi-ethnic general populations (Genome Aggregation Database). Analysis of this variant using bioinformatics tools for the prediction of the effect of amino acid changes on protein structure and function yielded predictions that this variant is benign. Based on the available information, we are unable to determine the clinical significance of this variant.

Ambry Genetics
Classification: Uncertain significance for Hereditary cancer-predisposing syndrome. Last evaluated: 2024-08-12. Review status: criteria provided, single submitter. Criteria: Ambry Variant Classification Scheme 2023. Collection method: clinical testing. Allele origin: germline.
Comment: The p.T86S variant (also known as c.257C>G), located in coding exon 1 of the MSH6 gene, results from a C to G substitution at nucleotide position 257. The threonine at codon 86 is replaced by serine, an amino acid with similar properties. This amino acid position is conserved. In addition, this alteration is predicted to be tolerated by in silico analysis. Based on the available evidence, the clinical significance of this variant remains unclear.

Labcorp Genetics (formerly Invitae), Labcorp
Classification: Uncertain significance for Hereditary nonpolyposis colorectal neoplasms. Last evaluated: 2022-04-05. Review status: criteria provided, single submitter. Criteria: Invitae Variant Classification Sherloc (09022015). Collection method: clinical testing. Allele origin: germline.
Comment: Algorithms developed to predict the effect of sequence changes on RNA splicing suggest that this variant may create or strengthen a splice site. In summary, the available evidence is currently insufficient to determine the role of this variant in disease. Therefore, it has been classified as a Variant of Uncertain Significance. Advanced modeling of protein sequence and biophysical properties (such as structural, functional, and spatial information, amino acid conservation, physicochemical variation, residue mobility, and thermodynamic stability) performed at Invitae indicates that this missense variant is not expected to disrupt MSH6 protein function. ClinVar contains an entry for this variant (Variation ID: 966333). This variant has not been reported in the literature in individuals affected with MSH6-related conditions. This variant is not present in population databases (gnomAD no frequency). This sequence change replaces threonine, which is neutral and polar, with serine, which is neutral and polar, at codon 86 of the MSH6 protein (p.Thr86Ser).

GeneDx
Classification: Uncertain significance. Last evaluated: 2019-04-12. Review status: criteria provided, single submitter. Criteria: GeneDx Variant Classification Process June 2021. Collection method: clinical testing. Allele origin: germline. Affected: yes.
Comment: Not observed in large population cohorts (Lek et al., 2016); Has not been previously published as pathogenic or benign to our knowledge